The following is an entry in ClinVar:

NM_033419.5(PGAP3):c.228C>T (p.Thr76=)

Gene: PGAP3 (post-GPI attachment to proteins phospholipase 3; minus strand). Cytogenetic location: 17q12.
Variant type: single nucleotide variant.
Coding change: c.228C>T on transcript NM_033419.5 (MANE Select); coding-DNA position 228, C replaced by T.
Protein change: p.Thr76=; no amino-acid change (threonine 76 retained).
Molecular consequence: synonymous variant.
Genome position (GRCh38, 1-based): chr17:39,685,973, G>A on the plus strand (C>T on the coding strand, the complement: PGAP3 is on the minus strand). VCF-style: chr17-39685973-G-A. GRCh37 (hg19) VCF-style: chr17-37842226-G-A.
Other names: c.228C>T, p.Thr76= (NM_001291726.2, NM_001291728.2, NM_001291730.2 and 2 more transcripts).
Identifiers: ClinVar variation 2060967 (VCV002060967.28), dbSNP rs200486300, ClinGen allele CA8533429.

ClinVar aggregate classification (germline): Likely benign. Review status: criteria provided, multiple submitters, no conflicts (2 of 4 stars). 2 submissions from 2 submitters: Likely benign (2). Last evaluated 2025-06-17.

Allele frequency attached by ClinVar (database versions not stated): ExAC 0.00004; gnomAD 0.00007; TOPMed 0.00008; 1000 Genomes Project 30x 0.00016; gnomAD exomes 0.00018; 1000 Genomes Project 0.00020.
gnomAD v4.1: 281 of 1,613,400 alleles (0.017%); highest among the groups gnomAD compares: Non-Finnish European, 0.022%; no homozygotes.

Submissions (2):

Labcorp Genetics (formerly Invitae), Labcorp
Classification: Likely benign. Last evaluated: 2025-06-17. Review status: criteria provided, single submitter. Criteria: Invitae Variant Classification Sherloc (09022015). Collection method: clinical testing. Allele origin: germline.

CeGaT Center for Human Genetics Tuebingen
Classification: Likely benign. Last evaluated: 2023-02-01. Review status: criteria provided, single submitter. Criteria: CeGaT Center For Human Genetics Tuebingen Variant Classification Criteria Version 2. Collection method: clinical testing. Allele origin: germline. Affected: yes. Observed: 1 variant allele.
Comment: PGAP3: BP4, BP7